The following is an entry in ClinVar:

NM_031418.4(ANO3):c.1102C>T (p.Arg368Cys)

Gene: ANO3 (anoctamin 3; plus strand). Cytogenetic location: 11p14.2.
Variant type: single nucleotide variant.
Coding change: c.1102C>T on transcript NM_031418.4 (MANE Select); coding-DNA position 1102, C replaced by T.
Protein change: p.Arg368Cys; replaces arginine 368 with cysteine.
Molecular consequence: missense variant.
Genome position (GRCh38, 1-based): chr11:26,542,016, C>T. VCF-style: chr11-26542016-C-T. GRCh37 (hg19) VCF-style: chr11-26563563-C-T.
Other names: c.1285C>T, p.Arg429Cys (NM_001313726.2); c.664C>T, p.Arg222Cys (NM_001313727.2); c.1102C>T (NM_031418.2); short protein forms R222C, R368C, R429C.
Identifiers: ClinVar variation 2341540 (VCV002341540.8), dbSNP rs376935363, ClinGen allele CA5925783.

ClinVar aggregate classification (germline): Uncertain significance. Review status: criteria provided, multiple submitters, no conflicts (2 of 4 stars). 2 submissions from 2 submitters: Uncertain significance (2). Last evaluated 2025-02-18.

Conditions:
Inborn genetic diseases. Identifiers: MedGen C0950123, MeSH D030342.
Dystonic disorder. Also called: Dystonia. Identifiers: MedGen C0013421, MONDO:0003441, HP:0001332.

Allele frequency attached by ClinVar (database versions not stated): ExAC 0.00001; gnomAD 0.00001; TOPMed 0.00002; ESP Exome Variant Server 0.00008.

Submissions (2):

Labcorp Genetics (formerly Invitae), Labcorp
Classification: Uncertain significance for Dystonic disorder. Last evaluated: 2025-02-18. Review status: criteria provided, single submitter. Criteria: Invitae Variant Classification Sherloc (09022015). Collection method: clinical testing. Allele origin: germline.
Comment: This sequence change replaces arginine, which is basic and polar, with cysteine, which is neutral and slightly polar, at codon 368 of the ANO3 protein (p.Arg368Cys). This variant is present in population databases (rs376935363, gnomAD 0.008%). This variant has not been reported in the literature in individuals affected with ANO3-related conditions. ClinVar contains an entry for this variant (Variation ID: 2341540). Invitae Evidence Modeling of protein sequence and biophysical properties (such as structural, functional, and spatial information, amino acid conservation, physicochemical variation, residue mobility, and thermodynamic stability) has been performed for this missense variant. However, the output from this modeling did not meet the statistical confidence thresholds required to predict the impact of this variant on ANO3 protein function. In summary, the available evidence is currently insufficient to determine the role of this variant in disease. Therefore, it has been classified as a Variant of Uncertain Significance.

Ambry Genetics
Classification: Uncertain significance for Inborn genetic diseases. Last evaluated: 2022-05-27. Review status: criteria provided, single submitter. Criteria: Ambry Variant Classification Scheme 2023. Collection method: clinical testing. Allele origin: germline.